The following is an entry in ClinVar:

ClinVar aggregate classification (germline): Uncertain significance. Review status: criteria provided, multiple submitters, no conflicts (2 of 4 stars). 2 submissions from 2 submitters: Uncertain significance (2). Last evaluated 2024-08-19.

Allele frequency attached by ClinVar (database versions not stated): ExAC 0.00003; TOPMed 0.00004; gnomAD 0.00005.
gnomAD v4.1: 52 of 1,613,016 alleles (0.0032%); highest among the groups gnomAD compares: Non-Finnish European, 0.0043%; no homozygotes.

Submissions (2):

GeneDx
Classification: Uncertain significance. Last evaluated: 2024-08-19. Review status: criteria provided, single submitter. Criteria: GeneDx Variant Classification Process June 2021. Collection method: clinical testing. Allele origin: germline. Affected: yes.
Comment: In silico analysis supports that this missense variant has a deleterious effect on protein structure/function; Has not been previously published as pathogenic or benign to our knowledge

Ambry Genetics
Classification: Uncertain significance. Last evaluated: 2022-12-02. Review status: criteria provided, single submitter. Criteria: Ambry Variant Classification Scheme 2023. Collection method: clinical testing. Allele origin: germline.

NM_018897.3(DNAH7):c.9371C>T (p.Pro3124Leu)

Gene: DNAH7 (dynein axonemal heavy chain 7; minus strand). Cytogenetic location: 2q32.3.
Variant type: single nucleotide variant.
Coding change: c.9371C>T on transcript NM_018897.3 (MANE Select); coding-DNA position 9371, C replaced by T.
Protein change: p.Pro3124Leu; replaces proline 3124 with leucine.
Molecular consequence: missense variant.
Genome position (GRCh38, 1-based): chr2:195,817,750, G>A on the plus strand (C>T on the coding strand, the complement: DNAH7 is on the minus strand). VCF-style: chr2-195817750-G-A. GRCh37 (hg19) VCF-style: chr2-196682474-G-A.
Other names: short protein forms P3124L.
Identifiers: ClinVar variation 2224077 (VCV002224077.3), dbSNP rs551842767, ClinGen allele CA2034387.
Genomic context (GRCh38, chr2:195,817,750, plus strand): 5'-TAAAACCTTTTATTTTCAGCTCCTTGTAATATCAAGGCTTGCTTTTCTTCTTCAAGGTCT[G>A]GCCTTTCTTGTGCCACCACAATTCCCAGAAGCTGATCTTGCATTCCCTCAGGGGTTATCA-3'
Protein context (NP_061720.2, residues 3114-3134): LLGIVVAQER[Pro3124Leu]DLEEEKQALI